The following is an entry in ClinVar:

NM_001161352.2(KCNMA1):c.34A>G (p.Ser12Gly)

Gene: KCNMA1 (potassium calcium-activated channel subfamily M alpha 1; minus strand). Cytogenetic location: 10q22.3.
Variant type: single nucleotide variant.
Coding change: c.34A>G on transcript NM_001161352.2 (MANE Select); coding-DNA position 34, A replaced by G.
Protein change: p.Ser12Gly; replaces serine 12 with glycine.
Molecular consequence: missense variant.
Genome position (GRCh38, 1-based): chr10:77,637,609, T>C on the plus strand (A>G on the coding strand, the complement: KCNMA1 is on the minus strand). VCF-style: chr10-77637609-T-C. GRCh37 (hg19) VCF-style: chr10-79397367-T-C.
Other names: c.34A>G, p.Ser12Gly (NM_001014797.3, NM_001161353.2, NM_001271518.2 and 12 more transcripts); short protein forms S12G.
Identifiers: ClinVar variation 193223 (VCV000193223.61), dbSNP rs77602559, ClinGen allele CA200416.

ClinVar aggregate classification (germline): Benign/Likely benign. Review status: criteria provided, multiple submitters, no conflicts (2 of 4 stars). 11 submissions from 11 submitters: Benign (5); Likely benign (4). 2 of the submissions do not count toward it. Last evaluated 2026-09-01.

Conditions:
KCNMA1-related disorder. Also called: KCNMA1-related disorders; KCNMA1-related condition.
Generalized epilepsy-paroxysmal dyskinesia syndrome (PNKD3). Also called: Paroxysmal nonkinesigenic dyskinesia, 3, with or without generalized epilepsy; Generalized epilepsy and paroxysmal dyskinesia. Identifiers: Orphanet 79137, MedGen C5574945, MONDO:0012276, OMIM 609446.
Intellectual disability. Also called: Intellectual developmental disorder; Intellectual functioning disability; intellectual disabilities. Identifiers: MedGen C3714756, MeSH D008607, MONDO:0001071, HP:0001249.

Allele frequency attached by ClinVar (database versions not stated): TOPMed 0.00637; ExAC 0.00137; gnomAD exomes 0.00178 and 0.00204; gnomAD 0.00575 and 0.00605; 1000 Genomes Project 0.00559.
gnomAD v4.1: 3,347 of 1,520,716 alleles (0.22%); highest among the groups gnomAD compares: African/African-American, 1.4%; 9 homozygotes.

Submissions (11):

CeGaT Center for Human Genetics Tuebingen
Classification: Benign. Last evaluated: 2026-09-01. Review status: criteria provided, single submitter. Criteria: CeGaT Center For Human Genetics Tuebingen Variant Classification Criteria Version 2. Collection method: clinical testing. Allele origin: germline. Affected: yes. Observed: 26 variant alleles.
Comment: KCNMA1: BS1, BS2

Labcorp Genetics (formerly Invitae), Labcorp
Classification: Likely benign for Generalized epilepsy-paroxysmal dyskinesia syndrome. Last evaluated: 2026-02-03. Review status: criteria provided, single submitter. Criteria: Invitae Variant Classification Sherloc (09022015). Collection method: clinical testing. Allele origin: germline.

Blueprint Genetics
Classification: Likely benign. Last evaluated: 2024-11-08. Review status: criteria provided, single submitter. Criteria: ACMG Guidelines, 2015. Collection method: clinical testing. Allele origin: germline.

Athena Diagnostics
Classification: Benign. Last evaluated: 2024-07-05. Review status: criteria provided, single submitter. Criteria: Athena Diagnostics Criteria. Collection method: clinical testing. Allele origin: unknown.

Genetic Services Laboratory, University of Chicago
Classification: Benign. Last evaluated: 2019-06-06. Review status: criteria provided, single submitter. Criteria: ACMG Guidelines, 2015. Collection method: clinical testing. Allele origin: germline. Affected: no.

GeneDx
Classification: Benign. Last evaluated: 2018-08-07. Review status: criteria provided, single submitter. Criteria: GeneDx Variant Classification Process June 2021. Collection method: clinical testing. Allele origin: germline. Affected: yes.
Comment: This variant is associated with the following publications: (PMID: 19266219)

Illumina Laboratory Services, Illumina
Classification: Likely benign for Generalized epilepsy-paroxysmal dyskinesia syndrome. Last evaluated: 2018-01-13. Review status: criteria provided, single submitter. Criteria: ICSL Variant Classification Criteria 13 December 2019. Collection method: clinical testing. Allele origin: germline.
Comment: This variant was observed in the ICSL laboratory as part of a predisposition screen in an ostensibly healthy population. It had not been previously curated by ICSL or reported in the Human Gene Mutation Database (HGMD: prior to June 1st, 2018), and was therefore a candidate for classification through an automated scoring system. Utilizing variant allele frequency, disease prevalence and penetrance estimates, and inheritance mode, an automated score was calculated to assess if this variant is too frequent to cause the disease. Based on the score and internal cut-off values, a variant classified as likely benign is not then subjected to further curation. The score for this variant resulted in a classification of likely benign for this disease.

Eurofins Ntd Llc (ga)
Classification: Benign. Last evaluated: 2015-02-18. Review status: criteria provided, single submitter. Criteria: EGL Classification Definitions 2015. Collection method: clinical testing. Allele origin: germline. Observed: 3 variant alleles, 3 heterozygotes.

Breakthrough Genomics
Classification: Likely benign. Review status: criteria provided, single submitter. Criteria: ACMG Guidelines, 2015. Collection method: not provided. Allele origin: germline. Inheritance: Autosomal recessive inheritance. Affected: yes.

PreventionGenetics, part of Exact Sciences
Classification: Benign for KCNMA1-related condition. Last evaluated: 2021-11-29. Review status: no assertion criteria provided. Collection method: clinical testing. Allele origin: germline. Not counted in ClinVar's aggregate classification.
Comment: This variant is classified as benign based on ACMG/AMP sequence variant interpretation guidelines (Richards et al. 2015 PMID: 25741868, with internal and published modifications).

Centre de Biologie Pathologie Génétique, Centre Hospitalier Universitaire de Lille
Classification: Uncertain significance for Intellectual disability. Last evaluated: 2019-01-01. Review status: no assertion criteria provided. Collection method: clinical testing. Allele origin: unknown. Affected: yes. Not counted in ClinVar's aggregate classification.

Literature cited by the submitters: PubMed 19266219 (cited by Athena Diagnostics); PubMed 36011376 (cited by Athena Diagnostics); PubMed 34368859 (cited by Athena Diagnostics); PubMed 27697855 (cited by Athena Diagnostics); PubMed 36952000 (cited by Athena Diagnostics); PubMed 27527004 (cited by Athena Diagnostics).